The following is an entry in ClinVar:

ClinVar aggregate classification (germline): Uncertain significance (1 of 4 stars; one submission).

Conditions:
Early-infantile DEE. Also called: Ohtahara syndrome; Early infantile epileptic encephalopathy with suppression bursts; Early infantile epileptic encephalopathy. Identifiers: Orphanet 1934, MedGen C0393706, MONDO:0800491.

Allele frequency attached by ClinVar (database versions not stated): gnomAD 0.00001 and 0.00002; TOPMed 0.00003.
gnomAD v4.1: 3 of 151,426 alleles (0.002%); highest among the groups gnomAD compares: Admixed American, 0.013%; no homozygotes.

Submission:

Labcorp Genetics (formerly Invitae), Labcorp
Classification: Uncertain significance for Early-infantile DEE. Last evaluated: 2026-01-24. Review status: criteria provided, single submitter. Criteria: Invitae Variant Classification Sherloc (09022015). Collection method: clinical testing. Allele origin: germline.
Comment: This sequence change falls in intron 20 of the SCN1A gene. It does not directly change the encoded amino acid sequence of the SCN1A protein. However, this sequence change falls within a region encompassing a cryptic exon in the SCN1A gene, in which variants have been shown to alter splicing (PMID: 30526861, 34107977). This variant is present in population databases (no rsID available, gnomAD 0.1%). This variant has been observed in individuals with clinical features of developmental and epileptic encephalopathy (internal data). ClinVar contains an entry for this variant (Variation ID: 1643569). Algorithms developed to predict the effect of sequence changes on RNA splicing suggest that this variant is not likely to affect RNA splicing. In summary, the available evidence is currently insufficient to determine the role of this variant in disease. Therefore, it has been classified as a Variant of Uncertain Significance.

Literature cited by the submitters: PubMed 30526861; PubMed 34107977.

NM_001165963.4(SCN1A):c.4002+2360A>G

Genes: SCN1A (sodium voltage-gated channel alpha subunit 1; minus strand), LOC102724058 (uncharacterized LOC102724058; plus strand). Cytogenetic location: 2q24.3.
Variant type: single nucleotide variant.
Coding change: c.4002+2360A>G on transcript NM_001165963.4 (MANE Select); 2360 bases into the intron after coding-DNA position 4002, A replaced by G.
Molecular consequence: intron variant.
Genome position (GRCh38, 1-based): chr2:166,007,359, T>C on the plus strand (A>G on the coding strand, the complement: SCN1A is on the minus strand). VCF-style: chr2-166007359-T-C. GRCh37 (hg19) VCF-style: chr2-166863869-T-C.
Other names: c.3969+2360A>G (NM_001353949.2, NM_001353950.2, NM_001353951.2 and 2 more transcripts); c.3918+2360A>G (NM_001353958.2, NM_001353957.2, NM_001165964.3); c.4002+2360A>G (NM_001202435.3, NM_001353948.2); c.3966+2360A>G (NM_001353955.2, NM_001353954.2); c.3915+2360A>G (NM_001353960.2); c.1560+2360A>G (NM_001353961.2).
Identifiers: ClinVar variation 1643569 (VCV001643569.9), dbSNP rs1029107872, ClinGen allele CA59771593.